The following is an entry in ClinVar:

NM_004991.4(MECOM):c.1379G>A (p.Ser460Asn)

Gene: MECOM (MDS1 and EVI1 complex locus; minus strand). Cytogenetic location: 3q26.2.
Variant type: single nucleotide variant.
Coding change: c.1379G>A on transcript NM_004991.4 (MANE Select); coding-DNA position 1379, G replaced by A.
Protein change: p.Ser460Asn; replaces serine 460 with asparagine.
Molecular consequence: missense variant. On other transcripts: intron variant (2).
Genome position (GRCh38, 1-based): chr3:169,116,493, C>T on the plus strand (G>A on the coding strand, the complement: MECOM is on the minus strand). VCF-style: chr3-169116493-C-T. GRCh37 (hg19) VCF-style: chr3-168834281-C-T.
Other names: c.1010G>A, p.Ser337Asn (NM_001105077.4); c.815G>A, p.Ser272Asn (NM_001105078.4, NM_001164000.2, NM_001205194.2 and 4 more transcripts); c.818G>A, p.Ser273Asn (NM_001163999.2, NM_001366467.2, NM_001366468.2 and 1 more transcripts); c.1379G>A, p.Ser460Asn (NM_001366466.2); c.1133-726G>A (NM_001366473.2); c.569-726G>A (NM_001366474.2); short protein forms S460N, S273N, S337N, S272N.
Identifiers: ClinVar variation 3293932 (VCV003293932.2).
Genomic context (GRCh38, chr3:169,116,493, plus strand): 5'-GTAAGACCAGCAGGATGCCTATTGGCGCCAAAATAGTCAGCAAGGCCCGGGTTGGCATGA[C>T]TCATATTAACCATGGACGTTTTATCCATAGCTGGGGTTCCAGGAAGTGAAATGCCTTGGC-3'
Protein context (NP_004982.2, residues 450-470): AMDKTSMVNM[Ser460Asn]HANPGLADYF

ClinVar aggregate classification (germline): Uncertain significance (1 of 4 stars; one submission).

Conditions:
Inborn genetic diseases. Identifiers: MedGen C0950123, MeSH D030342.

gnomAD v4.1: 5 of 1,614,172 alleles (0.00031%); highest among the groups gnomAD compares: Non-Finnish European, 0.00042%; no homozygotes.

Submission:

Ambry Genetics
Classification: Uncertain significance for Inborn genetic diseases. Last evaluated: 2024-12-12. Review status: criteria provided, single submitter. Criteria: Ambry Variant Classification Scheme 2023. Collection method: clinical testing. Allele origin: germline.
Comment: The p.S460N variant (also known as c.1379G>A), located in coding exon 8 of the MECOM gene, results from a G to A substitution at nucleotide position 1379. The serine at codon 460 is replaced by asparagine, an amino acid with highly similar properties. This amino acid position is conserved. In addition, this alteration is predicted to be tolerated by in silico analysis. Based on the available evidence, the clinical significance of this variant remains unclear.